The following is an entry in ClinVar:

ClinVar aggregate classification (germline): Uncertain significance (1 of 4 stars; one submission).

Conditions:
Autosomal recessive limb-girdle muscular dystrophy type 2A (LGMDR1). Also called: Muscular dystrophy, limb-girdle, type 2A, Amish; Calpainopathy; LEYDEN-MOEBIUS MUSCULAR DYSTROPHY; MUSCULAR DYSTROPHY, PELVOFEMORAL; Limb-girdle muscular dystrophy, type 2A. Identifiers: Orphanet 267, MedGen C1869123, MONDO:0009675, OMIM 253600. Disease mechanism: loss of function.

Submission:

Labcorp Genetics (formerly Invitae), Labcorp
Classification: Uncertain significance for Autosomal recessive limb-girdle muscular dystrophy type 2A. Last evaluated: 2023-10-24. Review status: criteria provided, single submitter. Criteria: Invitae Variant Classification Sherloc (09022015). Collection method: clinical testing. Allele origin: germline.
Comment: This sequence change replaces isoleucine, which is neutral and non-polar, with threonine, which is neutral and polar, at codon 765 of the CAPN3 protein (p.Ile765Thr). This variant is not present in population databases (gnomAD no frequency). This missense change has been observed in individual(s) with autosomal recessive limb-girdle muscular dystrophy (Invitae). In at least one individual the data is consistent with being in trans (on the opposite chromosome) from a pathogenic variant. Advanced modeling of protein sequence and biophysical properties (such as structural, functional, and spatial information, amino acid conservation, physicochemical variation, residue mobility, and thermodynamic stability) performed at Invitae indicates that this missense variant is not expected to disrupt CAPN3 protein function with a negative predictive value of 80%. In summary, the available evidence is currently insufficient to determine the role of this variant in disease. Therefore, it has been classified as a Variant of Uncertain Significance.

NM_000070.3(CAPN3):c.2294T>C (p.Ile765Thr)

Gene: CAPN3 (calpain 3; plus strand). Cytogenetic location: 15q15.1.
Variant type: single nucleotide variant.
Coding change: c.2294T>C on transcript NM_000070.3 (MANE Select); coding-DNA position 2294, T replaced by C.
Protein change: p.Ile765Thr; replaces isoleucine 765 with threonine.
Molecular consequence: missense variant.
Genome position (GRCh38, 1-based): chr15:42,410,914, T>C. VCF-style: chr15-42410914-T-C. GRCh37 (hg19) VCF-style: chr15-42703112-T-C.
Other names: c.2276T>C, p.Ile759Thr (NM_024344.2); c.2018T>C, p.Ile673Thr (NM_173087.2); c.758T>C, p.Ile253Thr (NM_173088.2); c.299T>C, p.Ile100Thr (NM_173089.2, NM_173090.2); c.*1392T>C (NM_212464.2); c.*1969T>C (NM_212467.2); short protein forms I673T, I100T, I253T, I759T, I765T.
Identifiers: ClinVar variation 2750668 (VCV002750668.3), dbSNP rs577644038, ClinGen allele CA392002017.